The following is an entry in ClinVar:

ClinVar aggregate classification (germline): Uncertain significance (1 of 4 stars; one submission).

Conditions:
Cardiovascular phenotype. Identifiers: MedGen CN230736.

gnomAD v4.1: 6 of 1,613,274 alleles (0.00037%); highest among the groups gnomAD compares: Middle Eastern, 0.017%; no homozygotes.

Submission:

Ambry Genetics
Classification: Uncertain significance for Cardiovascular phenotype. Last evaluated: 2025-07-22. Review status: criteria provided, single submitter. Criteria: Ambry Variant Classification Scheme 2023. Collection method: clinical testing. Allele origin: germline.
Comment: The p.D2439N variant (also known as c.7315G>A), located in coding exon 20 of the TNXB gene, results from a G to A substitution at nucleotide position 7315. The aspartic acid at codon 2439 is replaced by asparagine, an amino acid with highly similar properties. This amino acid position is conserved. In addition, this alteration is predicted to be tolerated by in silico analysis. Based on the available evidence, the clinical significance of this variant remains unclear.

NM_001365276.2(TNXB):c.7315G>A (p.Asp2439Asn)

Gene: TNXB (tenascin XB; minus strand). Cytogenetic location: 6p21.33.
Variant type: single nucleotide variant.
Coding change: c.7315G>A on transcript NM_001365276.2 (MANE Select); coding-DNA position 7315, G replaced by A.
Protein change: p.Asp2439Asn; replaces aspartic acid 2439 with asparagine.
Molecular consequence: missense variant.
Genome position (GRCh38, 1-based): chr6:32,061,574, C>T on the plus strand (G>A on the coding strand, the complement: TNXB is on the minus strand). VCF-style: chr6-32061574-C-T. GRCh37 (hg19) VCF-style: chr6-32029351-C-T.
Other names: c.8056G>A, p.Asp2686Asn (NM_001428335.1); c.7315G>A, p.Asp2439Asn (NM_019105.8); short protein forms D2439N, D2686N.
Identifiers: ClinVar variation 4188654 (VCV004188654.1).